The following is an entry in ClinVar:

NM_016239.4(MYO15A):c.10373del (p.Leu3458fs)

Gene: MYO15A (myosin XVA; plus strand). Cytogenetic location: 17p11.2.
Variant type: Deletion.
Coding change: c.10373del on transcript NM_016239.4 (MANE Select); coding-DNA position 10373, one base deleted (T; older notation c.10373delT).
Protein change: p.Leu3458fs; shifts the reading frame from leucine 3458.
Molecular consequence: frameshift variant.
Genome position (GRCh38, 1-based): chr17:18,173,803, T deleted. VCF-style (leftmost placement, unchanged base first): chr17-18173802-CT-C. GRCh37 (hg19) VCF-style: chr17-18077116-CT-C.
Other names: short protein forms L3458fs.
Identifiers: ClinVar variation 985835 (VCV000985835.6), dbSNP rs1310479415, ClinGen allele CA726669776.
Genomic context (GRCh38, chr17:18,173,802, plus strand): 5'-GCCCACAGGCCTGTCCGGCCCCTCTCCTCCTACTCCCAGGAATTGATGGTGAAGTTCCCC[CT>C]GAAGGAGATCCAGTCGACGCGGACCCAGCGGCCCACGGCCAACTCCAGCTACCCCTATGT-3'

ClinVar aggregate classification (germline): Pathogenic. Review status: criteria provided, multiple submitters, no conflicts (2 of 4 stars). 2 submissions from 2 submitters: Pathogenic (2). Last evaluated 2023-11-25.

Conditions:
Inborn genetic diseases. Identifiers: MedGen C0950123, MeSH D030342.

Allele frequency attached by ClinVar (database versions not stated): gnomAD exomes below 0.00001; TOPMed below 0.00001.

Submissions (2):

Labcorp Genetics (formerly Invitae), Labcorp
Classification: Pathogenic. Last evaluated: 2023-11-25. Review status: criteria provided, single submitter. Criteria: Invitae Variant Classification Sherloc (09022015). Collection method: clinical testing. Allele origin: germline.
Comment: This sequence change results in a frameshift in the MYO15A gene (p.Leu3458Argfs*96). While this is not anticipated to result in nonsense mediated decay, it is expected to disrupt the last 73 amino acid(s) of the MYO15A protein and extend the protein by 22 additional amino acid residues. This variant is not present in population databases (gnomAD no frequency). This variant has not been reported in the literature in individuals affected with MYO15A-related conditions. ClinVar contains an entry for this variant (Variation ID: 985835). This variant results in an extension of the MYO15A protein. Other variant(s) that result in a similarly extended protein product (p.Ser3525Alafs*29) have been determined to be pathogenic (PMID: 17851452). This suggests that these extensions are likely to be disease-causing. For these reasons, this variant has been classified as Pathogenic.

Ambry Genetics
Classification: Pathogenic for Inborn genetic diseases. Last evaluated: 2019-03-13. Review status: criteria provided, single submitter. Criteria: Ambry exome assertion method (8-5-2015). Collection method: clinical testing. Allele origin: germline. Affected: yes. Observed: 1 variant allele.

Literature cited by the submitters: PubMed 17851452 (cited by Labcorp Genetics (formerly Invitae), Labcorp and Ambry Genetics); PubMed 15654330 (cited by Ambry Genetics); PubMed 27375115 (cited by Ambry Genetics).